The following is an entry in ClinVar:

NM_000444.6(PHEX):c.1981A>G (p.Ile661Val)

Genes: PHEX (phosphate regulating endopeptidase X-linked; plus strand), PTCHD1-AS (PTCHD1 and PHEX antisense RNA; minus strand). Cytogenetic location: Xp22.11.
Variant type: single nucleotide variant.
Coding change: c.1981A>G on transcript NM_000444.6 (MANE Select); coding-DNA position 1981, A replaced by G.
Protein change: p.Ile661Val; replaces isoleucine 661 with valine.
Molecular consequence: missense variant. On other transcripts: non-coding transcript variant (1).
Genome position (GRCh38, 1-based): chrX:22,227,522, A>G. VCF-style: chrX-22227522-A-G. GRCh37 (hg19) VCF-style: chrX-22245639-A-G.
Other names: c.1981A>G, p.Ile661Val (NM_001282754.2); short protein forms I661V.
Identifiers: ClinVar variation 2809610 (VCV002809610.4), dbSNP rs774626712, ClinGen allele CA10368417.

ClinVar aggregate classification (germline): Uncertain significance (1 of 4 stars; one submission).

Allele frequency attached by ClinVar (database versions not stated): gnomAD exomes below 0.00001; ExAC 0.00001.
gnomAD v4.1: 2 of 1,202,409 alleles (0.00017%); highest among the groups gnomAD compares: Admixed American, 0.0022%; no homozygotes.

Submissions (2):

Labcorp Genetics (formerly Invitae), Labcorp
Classification: Uncertain significance. Last evaluated: 2023-04-26. Review status: criteria provided, single submitter. Criteria: Invitae Variant Classification Sherloc (09022015). Collection method: clinical testing. Allele origin: germline.
Comment: In summary, the available evidence is currently insufficient to determine the role of this variant in disease. Therefore, it has been classified as a Variant of Uncertain Significance. Algorithms developed to predict the effect of missense changes on protein structure and function output the following: SIFT: "Not Available"; PolyPhen-2: "Benign"; Align-GVGD: "Not Available". The valine amino acid residue is found in multiple mammalian species, which suggests that this missense change does not adversely affect protein function. This variant has not been reported in the literature in individuals affected with PHEX-related conditions. This variant is present in population databases (rs774626712, gnomAD 0.004%). This sequence change replaces isoleucine, which is neutral and non-polar, with valine, which is neutral and non-polar, at codon 661 of the PHEX protein (p.Ile661Val).

Dr. Peter K. Rogan Lab, Western University
No classification provided (evidence only). Condition: Nonpapillary renal cell carcinoma. Review status: no classification provided. Collection method: in vitro. Allele origin: not applicable. Functional consequence: retained intron. Not counted in ClinVar's aggregate classification.